The following is an entry in ClinVar:

ClinVar aggregate classification (germline): Uncertain significance (1 of 4 stars; one submission).

Conditions:
Episodic ataxia type 1 (EA1). Also called: Episodic ataxia/myokymia syndrome; ATAXIA, EPISODIC, WITH MYOKYMIA; MYOKYMIA WITH PERIODIC ATAXIA; PAROXYSMAL ATAXIA WITH NEUROMYOTONIA, HEREDITARY. Identifiers: Orphanet 37612, Orphanet 972, MedGen C1719788, MONDO:0008047, OMIM 160120.

Submission:

Labcorp Genetics (formerly Invitae), Labcorp
Classification: Uncertain significance for Episodic ataxia type 1. Last evaluated: 2024-02-24. Review status: criteria provided, single submitter. Criteria: Invitae Variant Classification Sherloc (09022015). Collection method: clinical testing. Allele origin: germline.
Comment: This sequence change affects the initiator methionine of the KCNA1 mRNA. The next in-frame methionine is located at codon 4. This variant is not present in population databases (gnomAD no frequency). This variant has not been reported in the literature in individuals affected with KCNA1-related conditions. ClinVar contains an entry for this variant (Variation ID: 1482834). Experimental studies and prediction algorithms are not available or were not evaluated, and the functional significance of this variant is currently unknown. In summary, the available evidence is currently insufficient to determine the role of this variant in disease. Therefore, it has been classified as a Variant of Uncertain Significance.

NM_000217.3(KCNA1):c.2T>C (p.Met1Thr)

Genes: KCNA1 (potassium voltage-gated channel subfamily A member 1; plus strand), LOC130007218 (ATAC-STARR-seq lymphoblastoid silent region 4155; plus strand). Cytogenetic location: 12p13.32.
Variant type: single nucleotide variant.
Coding change: c.2T>C on transcript NM_000217.3 (MANE Select); coding-DNA position 2, T replaced by C.
Protein change: p.Met1Thr; changes the start codon (methionine 1).
Molecular consequence: missense variant, initiator codon variant.
Genome position (GRCh38, 1-based): chr12:4,911,380, T>C. VCF-style: chr12-4911380-T-C. GRCh37 (hg19) VCF-style: chr12-5020546-T-C.
Other names: short protein forms M1T.
Identifiers: ClinVar variation 1482834 (VCV001482834.9), dbSNP rs1947350138, ClinGen allele CA383453586.
Genomic context (GRCh38, chr12:4,911,380, plus strand): 5'-TGGCTGCTTCCCACCCCGGGCTCTCTCCTGGCCTCCCACCCCCGCGCCCGGCTTCCACCA[T>C]GACGGTGATGTCTGGGGAGAACGTGGACGAGGCTTCGGCCGCCCCGGGCCACCCCCAGGA-3'
Protein context (NP_000208.2, residues 1-11): [Met1Thr]TVMSGENVDE